The following is an entry in ClinVar:

NM_016628.5(WAC):c.1556+1G>A

Gene: WAC (WW domain containing adaptor with coiled-coil; plus strand). Cytogenetic location: 10p12.1.
Variant type: single nucleotide variant.
Coding change: c.1556+1G>A on transcript NM_016628.5 (MANE Select); the canonical splice donor site of the intron after coding-DNA position 1556, G replaced by A.
Molecular consequence: splice donor variant.
Genome position (GRCh38, 1-based): chr10:28,614,686, G>A. VCF-style: chr10-28614686-G-A. GRCh37 (hg19) VCF-style: chr10-28903615-G-A.
Other names: c.1421+1G>A (NM_100264.3); c.1247+1G>A (NM_100486.4).
Identifiers: ClinVar variation 373100 (VCV000373100.2), dbSNP rs1057518215, ClinGen allele CA16042707.

ClinVar aggregate classification (germline): Pathogenic (1 of 4 stars; one submission).

Submission:

GeneDx
Classification: Pathogenic. Last evaluated: 2016-11-08. Review status: criteria provided, single submitter. Criteria: GeneDx Variant Classification (06012015). Collection method: clinical testing. Allele origin: germline. Affected: yes.
Comment: The c.1556+1G>A variant in the WAC gene has not been reported previously as a pathogenic variant nor as a benign variant, to our knowledge. This splice site variant destroys the canonical splice donor site in intron 11. It is predicted to cause abnormal gene splicing, either leading to an abnormal message that is subject to nonsense-mediated mRNA decay, or to an abnormal protein product if the message is used for protein translation. The c.1556+1G>A variant was not observed in approximately 6500 individuals of European and African American ancestry in the NHLBI Exome Sequencing Project, indicating it is not a common benign variant in these populations. We interpret c.1556+1G>A as a pathogenic variant